The following is an entry in ClinVar:

ClinVar aggregate classification (germline): Pathogenic (1 of 4 stars; one submission).

Conditions:
VPS13A-related neurodegenerative disease. Also called: ACANTHOCYTOSIS WITH NEUROLOGIC DISORDER; LEVINE-CRITCHLEY SYNDROME; Choreoacanthocytosis; Chorea-acanthocytosis; Choreaacanthocytosis; VPS13A Disease. Identifiers: Orphanet 2388, MedGen C0393576, MONDO:0008695, OMIM 200150.

Submission:

Myriad Genetics, Inc.
Classification: Pathogenic for VPS13A-related neurodegenerative disease. Last evaluated: 2024-05-14. Review status: criteria provided, single submitter. Criteria: Myriad Autosomal Dominant, Autosomal Recessive and X-Linked Classification Criteria (2023). Collection method: clinical testing. Allele origin: unknown.
Comment: NM_033305.2(VPS13A):c.259_261delTATinsAA(Y87Nfs*4) is expected to be pathogenic in the context of VPS13A disease. This variant is predicted to lead to an abnormal or absent protein product due to the creation of a premature termination codon in VPS13A, a gene where loss-of-function variants are known to be pathogenic. Please note: this variant was assessed in the context of healthy population screening.

NM_033305.3(VPS13A):c.259_261delinsAA (p.Tyr87fs)

Gene: VPS13A (vacuolar protein sorting 13 homolog A; plus strand). Cytogenetic location: 9q21.2.
Variant type: Indel.
Coding change: c.259_261delinsAA on transcript NM_033305.3 (MANE Select); coding-DNA positions 259 to 261, TAT replaced by AA.
Protein change: p.Tyr87fs; shifts the reading frame from tyrosine 87.
Molecular consequence: frameshift variant.
Genome position (GRCh38, 1-based): chr9:77,205,384-77,205,386, TAT replaced by AA. VCF-style: chr9-77205384-TAT-AA. GRCh37 (hg19) VCF-style: chr9-79820300-TAT-AA.
Other names: c.259_261delinsAA, p.Tyr87fs (NM_001018037.2, NM_001018038.3, NM_015186.4); short protein forms Y87fs.
Identifiers: ClinVar variation 5016331 (VCV005016331.1).